The following is an entry in ClinVar:

NM_144687.4(NLRP12):c.47A>G (p.Tyr16Cys)

Gene: NLRP12 (NLR family pyrin domain containing 12; minus strand). Cytogenetic location: 19q13.42.
Variant type: single nucleotide variant.
Coding change: c.47A>G on transcript NM_144687.4 (MANE Select); coding-DNA position 47, A replaced by G.
Protein change: p.Tyr16Cys; replaces tyrosine 16 with cysteine.
Molecular consequence: missense variant.
Genome position (GRCh38, 1-based): chr19:53,824,128, T>C on the plus strand (A>G on the coding strand, the complement: NLRP12 is on the minus strand). VCF-style: chr19-53824128-T-C. GRCh37 (hg19) VCF-style: chr19-54327382-T-C.
Other names: c.47A>G, p.Tyr16Cys (NM_001277126.2, NM_001277129.1); short protein forms Y16C.
Identifiers: ClinVar variation 3644379 (VCV003644379.2).

ClinVar aggregate classification (germline): Uncertain significance (1 of 4 stars; one submission).

Conditions:
Familial cold autoinflammatory syndrome 2 (FCAS2). Identifiers: Orphanet 247868, MedGen C2673198, MONDO:0012724, OMIM 611762.

Submission:

Labcorp Genetics (formerly Invitae), Labcorp
Classification: Uncertain significance for Familial cold autoinflammatory syndrome 2. Last evaluated: 2024-03-10. Review status: criteria provided, single submitter. Criteria: Invitae Variant Classification Sherloc (09022015). Collection method: clinical testing. Allele origin: germline.
Comment: This sequence change replaces tyrosine, which is neutral and polar, with cysteine, which is neutral and slightly polar, at codon 16 of the NLRP12 protein (p.Tyr16Cys). This variant is present in population databases (rs370727158, gnomAD 0.0009%). This variant has not been reported in the literature in individuals affected with NLRP12-related conditions. Advanced modeling of protein sequence and biophysical properties (such as structural, functional, and spatial information, amino acid conservation, physicochemical variation, residue mobility, and thermodynamic stability) performed at Invitae indicates that this missense variant is not expected to disrupt NLRP12 protein function with a negative predictive value of 80%. In summary, the available evidence is currently insufficient to determine the role of this variant in disease. Therefore, it has been classified as a Variant of Uncertain Significance.